The following is an entry in ClinVar:

Conditions:
Long QT syndrome 5 (LQT5). Identifiers: Orphanet 101016, Orphanet 768, MedGen C1867904, MONDO:0013372, OMIM 613695.

Submission:

Roden Lab, Vanderbilt University Medical Center
No classification provided (evidence only). Condition: Long QT syndrome 5. Review status: no classification provided. Collection method: in vitro. Allele origin: not applicable. Functional consequence: Effect on ion channel function.
ClinVar note: "not provided" was previously submitted as the classification for the variant. However, the classification appeared to be based only on an observation of functional data so it was converted to no classification on 2025-07-30.

NM_000219.6(KCNE1):c.75C>T (p.Gly25=)

Gene: KCNE1 (potassium voltage-gated channel subfamily E regulatory subunit 1; minus strand). Cytogenetic location: 21q22.12.
Variant type: single nucleotide variant.
Coding change: c.75C>T on transcript NM_000219.6 (MANE Select); coding-DNA position 75, C replaced by T.
Protein change: p.Gly25=; no amino-acid change (glycine 25 retained).
Molecular consequence: synonymous variant.
Genome position (GRCh38, 1-based): chr21:34,449,560, G>A on the plus strand (C>T on the coding strand, the complement: KCNE1 is on the minus strand). VCF-style: chr21-34449560-G-A. GRCh37 (hg19) VCF-style: chr21-35821858-G-A.
Other names: c.75C>T, p.Gly25= (NM_001127668.4, NM_001270405.3, NM_001127669.4 and 4 more transcripts).
Identifiers: ClinVar variation 3373980 (VCV003373980.2).